The following is an entry in ClinVar:

NM_006231.4(POLE):c.4477G>T (p.Ala1493Ser)

Gene: POLE (DNA polymerase epsilon, catalytic subunit; minus strand). Cytogenetic location: 12q24.33.
Variant type: single nucleotide variant.
Coding change: c.4477G>T on transcript NM_006231.4 (MANE Select); coding-DNA position 4477, G replaced by T.
Protein change: p.Ala1493Ser; replaces alanine 1493 with serine.
Molecular consequence: missense variant.
Genome position (GRCh38, 1-based): chr12:132,643,298, C>A on the plus strand (G>T on the coding strand, the complement: POLE is on the minus strand). VCF-style: chr12-132643298-C-A. GRCh37 (hg19) VCF-style: chr12-133219884-C-A.
Other names: c.4477G>T (NM_006231.2); short protein forms A1493S.
Identifiers: ClinVar variation 655354 (VCV000655354.9), dbSNP rs748522633, ClinGen allele CA387380684.

ClinVar aggregate classification (germline): Conflicting classifications of pathogenicity. Review status: criteria provided, conflicting classifications (1 of 4 stars). 2 submissions from 2 submitters: Uncertain significance (1); Likely benign (1). Last evaluated 2024-07-24.

Conditions:
Hereditary cancer-predisposing syndrome. Also called: Hereditary neoplastic syndrome; Tumor predisposition; Neoplastic Syndromes, Hereditary; Hereditary Cancer Syndrome. Identifiers: Orphanet 140162, MedGen C0027672, MeSH D009386, MONDO:0015356.

Submissions (2):

Ambry Genetics
Classification: Likely benign for Hereditary cancer-predisposing syndrome. Last evaluated: 2024-07-24. Review status: criteria provided, single submitter. Criteria: Ambry Variant Classification Scheme 2023. Collection method: clinical testing. Allele origin: germline.

Labcorp Genetics (formerly Invitae), Labcorp
Classification: Uncertain significance. Last evaluated: 2023-08-04. Review status: criteria provided, single submitter. Criteria: Invitae Variant Classification Sherloc (09022015). Collection method: clinical testing. Allele origin: germline.
Comment: ClinVar contains an entry for this variant (Variation ID: 655354). This variant has not been reported in the literature in individuals affected with POLE-related conditions. This variant is not present in population databases (gnomAD no frequency). This sequence change replaces alanine, which is neutral and non-polar, with serine, which is neutral and polar, at codon 1493 of the POLE protein (p.Ala1493Ser). Advanced modeling of protein sequence and biophysical properties (such as structural, functional, and spatial information, amino acid conservation, physicochemical variation, residue mobility, and thermodynamic stability) performed at Invitae indicates that this missense variant is not expected to disrupt POLE protein function. In summary, the available evidence is currently insufficient to determine the role of this variant in disease. Therefore, it has been classified as a Variant of Uncertain Significance. Algorithms developed to predict the effect of sequence changes on RNA splicing suggest that this variant may create or strengthen a splice site.